The following is an entry in ClinVar:

NM_014339.7(IL17RA):c.910C>T (p.Pro304Ser)

Gene: IL17RA (interleukin 17 receptor A; plus strand). Cytogenetic location: 22q11.1.
Variant type: single nucleotide variant.
Coding change: c.910C>T on transcript NM_014339.7 (MANE Select); coding-DNA position 910, C replaced by T.
Protein change: p.Pro304Ser; replaces proline 304 with serine.
Molecular consequence: missense variant.
Genome position (GRCh38, 1-based): chr22:17,104,789, C>T. VCF-style: chr22-17104789-C-T. GRCh37 (hg19) VCF-style: chr22-17585679-C-T.
Other names: c.910C>T (NM_014339.5); c.910C>T, p.Pro304Ser (NM_001289905.2); short protein forms P304S.
Identifiers: ClinVar variation 2083268 (VCV002083268.5), dbSNP rs774700286, ClinGen allele CA10086536.
Genomic context (GRCh38, chr22:17,104,789, plus strand): 5'-CAGCCCTTCTTCAGCAGCTGCCTCAATGACTGCCTCAGACACTCCGCGACTGTTTCCTGC[C>T]CAGAAATGCCAGACACTCCAGGTAGGGGACATGCGGCTGTCCTAGGCCATACTGGGAGAA-3'
Protein context (NP_055154.3, residues 294-314): CLRHSATVSC[Pro304Ser]EMPDTPEPIP

ClinVar aggregate classification (germline): Uncertain significance. Review status: criteria provided, multiple submitters, no conflicts (2 of 4 stars). 2 submissions from 2 submitters: Uncertain significance (2). Last evaluated 2025-08-28.

Conditions:
Immunodeficiency 51 (IMD51). Also called: CANDIDIASIS, FAMILIAL, 5. Identifiers: Orphanet 1334, MedGen C4310803, MONDO:0013500, OMIM 613953.

Allele frequency attached by ClinVar (database versions not stated): ExAC 0.00001; gnomAD 0.00001; 1000 Genomes Project 30x 0.00016.

Submissions (2):

Ambry Genetics
Classification: Uncertain significance. Last evaluated: 2025-08-28. Review status: criteria provided, single submitter. Criteria: Ambry Variant Classification Scheme 2023. Collection method: clinical testing. Allele origin: germline.

Labcorp Genetics (formerly Invitae), Labcorp
Classification: Uncertain significance for Immunodeficiency 51. Last evaluated: 2022-01-15. Review status: criteria provided, single submitter. Criteria: Invitae Variant Classification Sherloc (09022015). Collection method: clinical testing. Allele origin: germline.
Comment: In summary, the available evidence is currently insufficient to determine the role of this variant in disease. Therefore, it has been classified as a Variant of Uncertain Significance. Algorithms developed to predict the effect of missense changes on protein structure and function are either unavailable or do not agree on the potential impact of this missense change (SIFT: "Tolerated"; PolyPhen-2: "Probably Damaging"; Align-GVGD: "Class C0"). This variant has not been reported in the literature in individuals affected with IL17RA-related conditions. This variant is present in population databases (rs774700286, gnomAD 0.006%). This sequence change replaces proline, which is neutral and non-polar, with serine, which is neutral and polar, at codon 304 of the IL17RA protein (p.Pro304Ser).